The following is an entry in ClinVar:

NM_004655.4(AXIN2):c.1931A>G (p.Tyr644Cys)

Gene: AXIN2 (axin 2; minus strand). Cytogenetic location: 17q24.1.
Variant type: single nucleotide variant.
Coding change: c.1931A>G on transcript NM_004655.4 (MANE Select); coding-DNA position 1931, A replaced by G.
Protein change: p.Tyr644Cys; replaces tyrosine 644 with cysteine.
Molecular consequence: missense variant.
Genome position (GRCh38, 1-based): chr17:65,536,530, T>C on the plus strand (A>G on the coding strand, the complement: AXIN2 is on the minus strand). VCF-style: chr17-65536530-T-C. GRCh37 (hg19) VCF-style: chr17-63532648-T-C.
Other names: c.1931A>G (LRG_296t1); c.1736A>G, p.Tyr579Cys (NM_001363813.1); short protein forms Y644C, Y579C.
Identifiers: ClinVar variation 408817 (VCV000408817.15), dbSNP rs1025003994, ClinGen allele CA16615878.

ClinVar aggregate classification (germline): Uncertain significance. Review status: criteria provided, multiple submitters, no conflicts (2 of 4 stars). 5 submissions from 5 submitters: Uncertain significance (5). Last evaluated 2025-03-04.

Conditions:
Colorectal cancer. Also called: Colorectal cancer, somatic; Malignant Colorectal Neoplasm. Identifiers: MedGen C0346629, MONDO:0005575, OMIM 114500.
Hereditary cancer-predisposing syndrome. Also called: Hereditary Cancer Syndrome; Hereditary neoplastic syndrome; Neoplastic Syndromes, Hereditary; Tumor predisposition. Identifiers: Orphanet 140162, MedGen C0027672, MeSH D009386, MONDO:0015356.
Oligodontia-cancer predisposition syndrome. Also called: TOOTH AGENESIS-COLORECTAL CANCER SYNDROME. Identifiers: Orphanet 300576, MedGen C1837750, MONDO:0012075, OMIM 608615. Disease mechanism: loss of function.

Allele frequency attached by ClinVar (database versions not stated): gnomAD 0.00001; gnomAD exomes 0.00001; TOPMed 0.00002.

Submissions (5):

Center for Genomic Medicine, Rigshospitalet, Copenhagen University Hospital
Classification: Uncertain significance. Last evaluated: 2025-03-04. Review status: criteria provided, single submitter. Criteria: ACMG Guidelines, 2015. Collection method: clinical testing. Allele origin: germline.

Labcorp Genetics (formerly Invitae), Labcorp
Classification: Uncertain significance for Oligodontia-cancer predisposition syndrome. Last evaluated: 2024-11-24. Review status: criteria provided, single submitter. Criteria: Invitae Variant Classification Sherloc (09022015). Collection method: clinical testing. Allele origin: germline.
Comment: This sequence change replaces tyrosine, which is neutral and polar, with cysteine, which is neutral and slightly polar, at codon 644 of the AXIN2 protein (p.Tyr644Cys). This variant is present in population databases (no rsID available, gnomAD 0.02%). This variant has not been reported in the literature in individuals affected with AXIN2-related conditions. ClinVar contains an entry for this variant (Variation ID: 408817). Invitae Evidence Modeling of protein sequence and biophysical properties (such as structural, functional, and spatial information, amino acid conservation, physicochemical variation, residue mobility, and thermodynamic stability) indicates that this missense variant is not expected to disrupt AXIN2 protein function with a negative predictive value of 80%. In summary, the available evidence is currently insufficient to determine the role of this variant in disease. Therefore, it has been classified as a Variant of Uncertain Significance.

Ambry Genetics
Classification: Uncertain significance for Hereditary cancer-predisposing syndrome. Last evaluated: 2024-05-05. Review status: criteria provided, single submitter. Criteria: Ambry Variant Classification Scheme 2023. Collection method: clinical testing. Allele origin: germline.
Comment: The p.Y644C variant (also known as c.1931A>G), located in coding exon 7 of the AXIN2 gene, results from an A to G substitution at nucleotide position 1931. The tyrosine at codon 644 is replaced by cysteine, an amino acid with highly dissimilar properties. This amino acid position is not well conserved in available vertebrate species. In addition, this alteration is predicted to be tolerated by in silico analysis. Since supporting evidence is limited at this time, the clinical significance of this alteration remains unclear.

Baylor Genetics
Classification: Uncertain significance for Colorectal cancer. Last evaluated: 2023-09-15. Review status: criteria provided, single submitter. Criteria: ACMG Guidelines, 2015. Collection method: clinical testing. Allele origin: unknown.

GeneDx
Classification: Uncertain significance. Last evaluated: 2017-01-10. Review status: criteria provided, single submitter. Criteria: GeneDx Variant Classification (06012015). Collection method: clinical testing. Allele origin: germline. Affected: yes.
Comment: This variant is denoted AXIN2 c.1931A>G at the cDNA level, p.Tyr644Cys (Y644C) at the protein level, and results in the change of a Tyrosine to a Cysteine (TAC>TGC). This variant has not, to our knowledge, been published in the literature as pathogenic or benign. AXIN2 Tyr644Cys was not observed in approximately 6,500 individuals of European and African American ancestry in the NHLBI Exome Sequencing Project, suggesting it is not a common benign variant in these populations. Since Tyrosine and Cysteine differ in polarity, charge, size or other properties, this is considered a non-conservative amino acid substitution. AXIN2 Tyr644Cys occurs at a position that is not conserved and is located within the exon 7 mutational hot spot (Salahshor 2005). In silico analyses predict that this variant is unlikely to alter protein structure or function. Based on currently available evidence, it is unclear whether AXIN2 Tyr644Cys is a pathogenic or benign variant. We consider it to be a variant of uncertain significance.